The following is an entry in ClinVar:

ClinVar aggregate classification (germline): Conflicting classifications of pathogenicity. Review status: criteria provided, conflicting classifications (1 of 4 stars). 2 submissions from 2 submitters: Uncertain significance (1); Benign (1). Last evaluated 2024-08-12.

Conditions:
DYRK1A-related intellectual disability syndrome (MRD7). Also called: Intellectual developmental disorder, autosomal dominant 7; DYRK1A Syndrome. Identifiers: Orphanet 464306, MedGen C5568143, MONDO:0013578, OMIM 614104.

Allele frequency attached by ClinVar (database versions not stated): ExAC 0.00001; gnomAD 0.00001; gnomAD exomes 0.00001; TOPMed 0.00001.
gnomAD v4.1: 17 of 1,614,020 alleles (0.0011%); highest among the groups gnomAD compares: African/African-American, 0.004%; no homozygotes.

Submissions (2):

Labcorp Genetics (formerly Invitae), Labcorp
Classification: Benign for DYRK1A-related intellectual disability syndrome. Last evaluated: 2024-08-12. Review status: criteria provided, single submitter. Criteria: Invitae Variant Classification Sherloc (09022015). Collection method: clinical testing. Allele origin: germline.

GeneDx
Classification: Uncertain significance. Last evaluated: 2022-04-01. Review status: criteria provided, single submitter. Criteria: GeneDx Variant Classification Process June 2021. Collection method: clinical testing. Allele origin: germline. Affected: yes.
Comment: Has not been previously published as pathogenic or benign to our knowledge; In silico analysis supports that this missense variant does not alter protein structure/function

NM_001347721.2(DYRK1A):c.1819C>G (p.His607Asp)

Gene: DYRK1A (dual specificity tyrosine phosphorylation regulated kinase 1A; plus strand). Cytogenetic location: 21q22.13.
Variant type: single nucleotide variant.
Coding change: c.1819C>G on transcript NM_001347721.2 (MANE Select); coding-DNA position 1819, C replaced by G.
Protein change: p.His607Asp; replaces histidine 607 with aspartic acid.
Molecular consequence: missense variant. On other transcripts: 3 prime UTR variant (2).
Genome position (GRCh38, 1-based): chr21:37,512,085, C>G. VCF-style: chr21-37512085-C-G. GRCh37 (hg19) VCF-style: chr21-38884388-C-G.
Other names: c.1819C>G, p.His607Asp (NM_001347722.2, NM_130436.2); c.1732C>G, p.His578Asp (NM_001347723.2); c.1846C>G, p.His616Asp (NM_001396.5); c.*222C>G (NM_101395.2); c.*131C>G (NM_130438.2); short protein forms H616D, H607D, H578D.
Identifiers: ClinVar variation 937939 (VCV000937939.11), dbSNP rs760957728, ClinGen allele CA10024114.
Genomic context (GRCh38, chr21:37,512,085, plus strand): 5'-AATGCATTGCATCATCACCATGGTAACAGTTCCCATCACCATCACCACCACCACCACCAT[C>G]ACCACCACCATGGACAACAAGCCTTGGGTAACCGGACCAGGCCAAGGGTCTACAATTCTC-3'
Protein context (NP_001334650.1, residues 597-617): SHHHHHHHHH[His607Asp]HHHGQQALGN